The following is an entry in ClinVar:

NM_003036.4(SKI):c.1268C>T (p.Pro423Leu)

Gene: SKI (SKI proto-oncogene; plus strand). Cytogenetic location: 1p36.32.
Variant type: single nucleotide variant.
Coding change: c.1268C>T on transcript NM_003036.4 (MANE Select); coding-DNA position 1268, C replaced by T.
Protein change: p.Pro423Leu; replaces proline 423 with leucine.
Molecular consequence: missense variant.
Genome position (GRCh38, 1-based): chr1:2,303,896, C>T. VCF-style: chr1-2303896-C-T. GRCh37 (hg19) VCF-style: chr1-2235335-C-T.
Other names: short protein forms P423L.
Identifiers: ClinVar variation 963815 (VCV000963815.15), dbSNP rs752779978, ClinGen allele CA536653.
Genomic context (GRCh38, chr1:2,303,896, plus strand): 5'-CCAGCTTCTACTCCTACAAGAGCTTTGAGACAGCCGTGGCGCCCAACGTGGCCCTCGCAC[C>T]GCCGGCCCAGCAGAAGGTTGTGAGCAGCCCTCCGTGTGCCGCCGCCGTCTCCCGGGCCCC-3'
Protein context (NP_003027.1, residues 413-433): TAVAPNVALA[Pro423Leu]PAQQKVVSSP

ClinVar aggregate classification (germline): Conflicting classifications of pathogenicity. Review status: criteria provided, conflicting classifications (1 of 4 stars). 4 submissions from 4 submitters: Uncertain significance (3); Likely benign (1). Last evaluated 2025-07-11.

Conditions:
Familial thoracic aortic aneurysm and aortic dissection (TAAD). Also called: Thoracic aortic aneurysms and dissections. Identifiers: Orphanet 91387, MedGen C4707243, MONDO:0019625.
Shprintzen-Goldberg syndrome (SGS). Also called: Marfanoid disorder with craniosynostosis type 1; Marfanoid craniosynostosis syndrome; Shprintzen-Goldberg marfanoid syndrome; SHPRINTZEN-GOLDBERG CRANIOSYNOSTOSIS SYNDROME; CRANIOSYNOSTOSIS WITH ARACHNODACTYLY AND ABDOMINAL HERNIAS. Identifiers: Orphanet 2462, MedGen C1321551, MONDO:0008426, OMIM 182212.

Allele frequency attached by ClinVar (database versions not stated): TOPMed below 0.00001; ExAC 0.00001; gnomAD exomes 0.00001 and 0.00002; gnomAD 0.00002.
gnomAD v4.1: 36 of 1,612,214 alleles (0.0022%); highest among the groups gnomAD compares: Non-Finnish European, 0.0027%; no homozygotes.

Submissions (4):

GeneDx
Classification: Uncertain significance. Last evaluated: 2025-07-11. Review status: criteria provided, single submitter. Criteria: GeneDx Variant Classification Process June 2021. Collection method: clinical testing. Allele origin: germline.
Comment: Reported in a patient with an ophthalmologic disorder from a cohort of children with undiagnosed diseases who underwent whole genome sequencing (PMID: 31322791); In silico analysis supports that this missense variant has a deleterious effect on protein structure/function; This variant is associated with the following publications: (PMID: 31322791)

Ambry Genetics
Classification: Uncertain significance for Familial thoracic aortic aneurysm and aortic dissection. Last evaluated: 2025-07-09. Review status: criteria provided, single submitter. Criteria: Ambry Variant Classification Scheme 2023. Collection method: clinical testing. Allele origin: germline.
Comment: The p.P423L variant (also known as c.1268C>T), located in coding exon 4 of the SKI gene, results from a C to T substitution at nucleotide position 1268. The proline at codon 423 is replaced by leucine, an amino acid with similar properties. This variant was detected by genome sequencing in an individual with an ophthalmologic phenotype rather than a connective tissue phenotype; however details were limited (Kasak L et al. Hum. Mutat., 2019 09;40:1373-1391). This amino acid position is highly conserved in available vertebrate species. In addition, the in silico prediction for this alteration is inconclusive. Since supporting evidence is limited at this time, the clinical significance of this alteration remains unclear.

Labcorp Genetics (formerly Invitae), Labcorp
Classification: Uncertain significance for Shprintzen-Goldberg syndrome. Last evaluated: 2025-07-07. Review status: criteria provided, single submitter. Criteria: Invitae Variant Classification Sherloc (09022015). Collection method: clinical testing. Allele origin: germline.
Comment: This sequence change replaces proline, which is neutral and non-polar, with leucine, which is neutral and non-polar, at codon 423 of the SKI protein (p.Pro423Leu). This variant is present in population databases (rs752779978, gnomAD 0.002%). This variant has not been reported in the literature in individuals affected with SKI-related conditions. ClinVar contains an entry for this variant (Variation ID: 963815). Invitae Evidence Modeling of protein sequence and biophysical properties (such as structural, functional, and spatial information, amino acid conservation, physicochemical variation, residue mobility, and thermodynamic stability) indicates that this missense variant is not expected to disrupt SKI protein function with a negative predictive value of 95%. In summary, the available evidence is currently insufficient to determine the role of this variant in disease. Therefore, it has been classified as a Variant of Uncertain Significance.

Blueprint Genetics
Classification: Likely benign. Last evaluated: 2024-11-08. Review status: criteria provided, single submitter. Criteria: ACMG Guidelines, 2015. Collection method: clinical testing. Allele origin: germline.

Literature cited by the submitters: PubMed 31322791 (cited by Ambry Genetics).